The following is an entry in ClinVar:

NM_001034850.3(RETREG1):c.953C>T (p.Thr318Ile)

Gene: RETREG1 (reticulophagy regulator 1; minus strand). Cytogenetic location: 5p15.1.
Variant type: single nucleotide variant.
Coding change: c.953C>T on transcript NM_001034850.3 (MANE Select); coding-DNA position 953, C replaced by T.
Protein change: p.Thr318Ile; replaces threonine 318 with isoleucine.
Molecular consequence: missense variant.
Genome position (GRCh38, 1-based): chr5:16,477,709, G>A on the plus strand (C>T on the coding strand, the complement: RETREG1 is on the minus strand). VCF-style: chr5-16477709-G-A. GRCh37 (hg19) VCF-style: chr5-16477818-G-A.
Other names: c.530C>T, p.Thr177Ile (NM_019000.5); short protein forms T318I, T177I.
Identifiers: ClinVar variation 352688 (VCV000352688.19), dbSNP rs368457852, ClinGen allele CA3210282.

ClinVar aggregate classification (germline): Uncertain significance. Review status: criteria provided, multiple submitters, no conflicts (2 of 4 stars). 4 submissions from 4 submitters: Uncertain significance (4). Last evaluated 2024-11-13.

Conditions:
Inborn genetic diseases. Identifiers: MedGen C0950123, MeSH D030342.

Allele frequency attached by ClinVar (database versions not stated): TOPMed 0.00001; ESP Exome Variant Server 0.00008.
gnomAD v4.1: 126 of 1,613,006 alleles (0.0078%); highest among the groups gnomAD compares: Non-Finnish European, 0.01%; no homozygotes.

Submissions (4):

GeneDx
Classification: Uncertain significance. Last evaluated: 2024-11-13. Review status: criteria provided, single submitter. Criteria: GeneDx Variant Classification Process June 2021. Collection method: clinical testing. Allele origin: germline. Affected: yes.
Comment: Not observed at significant frequency in large population cohorts (gnomAD); In silico analysis supports that this missense variant has a deleterious effect on protein structure/function; Has not been previously published as pathogenic or benign to our knowledge

Ambry Genetics
Classification: Uncertain significance for Inborn genetic diseases. Last evaluated: 2022-03-24. Review status: criteria provided, single submitter. Criteria: Ambry Variant Classification Scheme 2023. Collection method: clinical testing. Allele origin: germline.
Comment: The p.T318I variant (also known as c.953C>T), located in coding exon 8 of the FAM134B gene, results from a C to T substitution at nucleotide position 953. The threonine at codon 318 is replaced by isoleucine, an amino acid with similar properties. This amino acid position is highly conserved in available vertebrate species. In addition, this alteration is predicted to be deleterious by in silico analysis. Since supporting evidence is limited at this time, the clinical significance of this alteration remains unclear.

Labcorp Genetics (formerly Invitae), Labcorp
Classification: Uncertain significance. Last evaluated: 2021-09-01. Review status: criteria provided, single submitter. Criteria: Invitae Variant Classification Sherloc (09022015). Collection method: clinical testing. Allele origin: germline.
Comment: This sequence change replaces threonine with isoleucine at codon 318 of the RETREG1 protein (p.Thr318Ile). The threonine residue is highly conserved and there is a moderate physicochemical difference between threonine and isoleucine. This variant is present in population databases (rs368457852, ExAC 0.02%). This variant has not been reported in the literature in individuals affected with RETREG1-related conditions. ClinVar contains an entry for this variant (Variation ID: 352688). Algorithms developed to predict the effect of missense changes on protein structure and function (SIFT, PolyPhen-2, Align-GVGD) all suggest that this variant is likely to be disruptive. In summary, the available evidence is currently insufficient to determine the role of this variant in disease. Therefore, it has been classified as a Variant of Uncertain Significance.

Mayo Clinic Laboratories, Mayo Clinic
Classification: Uncertain significance. Last evaluated: 2020-01-07. Review status: criteria provided, single submitter. Criteria: ACMG Guidelines, 2015. Collection method: clinical testing. Allele origin: germline. Observed: 1 variant allele.